The following is an entry in ClinVar:

ClinVar aggregate classification (germline): Benign. Review status: criteria provided, multiple submitters, no conflicts (2 of 4 stars). 2 submissions from 2 submitters: Benign (2). Last evaluated 2018-06-14.

Allele frequency attached by ClinVar (database versions not stated): TOPMed 0.07539; 1000 Genomes Project 0.07768; 1000 Genomes Project 30x 0.07886; gnomAD 0.08734 and 0.08867; gnomAD exomes 0.11762.
gnomAD v4.1: 103,332 of 919,310 alleles (11%); highest among the groups gnomAD compares: East Asian, 12%; 6,501 homozygotes.

Submissions (2):

GeneDx
Classification: Benign. Last evaluated: 2018-06-14. Review status: criteria provided, single submitter. Criteria: GeneDx Variant Classification (06012015). Collection method: clinical testing. Allele origin: germline. Affected: yes.
Comment: This variant is considered likely benign or benign based on one or more of the following criteria: it is a conservative change, it occurs at a poorly conserved position in the protein, it is predicted to be benign by multiple in silico algorithms, and/or has population frequency not consistent with disease.

Breakthrough Genomics
Classification: Benign. Review status: criteria provided, single submitter. Criteria: ACMG Guidelines, 2015. Collection method: not provided. Allele origin: germline. Inheritance: Autosomal recessive inheritance. Affected: yes.

NM_001377.3(DYNC2H1):c.9232-134A>G

Gene: DYNC2H1 (dynein cytoplasmic 2 heavy chain 1; plus strand). Cytogenetic location: 11q22.3.
Variant type: single nucleotide variant.
Coding change: c.9232-134A>G on transcript NM_001377.3 (MANE Select); 134 bases into the intron before coding-DNA position 9232, A replaced by G.
Molecular consequence: intron variant.
Genome position (GRCh38, 1-based): chr11:103,222,831, A>G. VCF-style: chr11-103222831-A-G. GRCh37 (hg19) VCF-style: chr11-103093560-A-G.
Other names: c.9232-134A>G (NM_001080463.2).
Identifiers: ClinVar variation 669909 (VCV000669909.2), dbSNP rs76754213, ClinGen allele CA15703901.